The following is an entry in ClinVar:

NM_001206927.2(DNAH8):c.10837G>A (p.Gly3613Ser)

Genes: DNAH8 (dynein axonemal heavy chain 8; plus strand), DNAH8-AS1 (DNAH8 antisense RNA 1; minus strand). Cytogenetic location: 6p21.2.
Variant type: single nucleotide variant.
Coding change: c.10837G>A on transcript NM_001206927.2 (MANE Select); coding-DNA position 10837, G replaced by A.
Protein change: p.Gly3613Ser; replaces glycine 3613 with serine.
Molecular consequence: missense variant.
Genome position (GRCh38, 1-based): chr6:38,924,037, G>A. VCF-style: chr6-38924037-G-A. GRCh37 (hg19) VCF-style: chr6-38891813-G-A.
Other names: c.10186G>A, p.Gly3396Ser (NM_001371.4); short protein forms G3396S, G3613S.
Identifiers: ClinVar variation 2820615 (VCV002820615.3), dbSNP rs1350933024, ClinGen allele CA364013397.

ClinVar aggregate classification (germline): Uncertain significance (1 of 4 stars; one submission).

Conditions:
Primary ciliary dyskinesia. Also called: Ciliary dyskinesia. Identifiers: Orphanet 244, MedGen C0008780, MONDO:0016575, HP:0012265.

Allele frequency attached by ClinVar (database versions not stated): gnomAD exomes below 0.00001; TOPMed below 0.00001; gnomAD 0.00001.
gnomAD v4.1: 3 of 1,613,770 alleles (0.00019%); highest among the groups gnomAD compares: African/African-American, 0.0013%; no homozygotes.

Submission:

Labcorp Genetics (formerly Invitae), Labcorp
Classification: Uncertain significance for Primary ciliary dyskinesia. Last evaluated: 2022-12-13. Review status: criteria provided, single submitter. Criteria: Invitae Variant Classification Sherloc (09022015). Collection method: clinical testing. Allele origin: germline.
Comment: This sequence change replaces glycine, which is neutral and non-polar, with serine, which is neutral and polar, at codon 3613 of the DNAH8 protein (p.Gly3613Ser). This variant is not present in population databases (gnomAD no frequency). This variant has not been reported in the literature in individuals affected with DNAH8-related conditions. Advanced modeling of protein sequence and biophysical properties (such as structural, functional, and spatial information, amino acid conservation, physicochemical variation, residue mobility, and thermodynamic stability) has been performed at Invitae for this missense variant, however the output from this modeling did not meet the statistical confidence thresholds required to predict the impact of this variant on DNAH8 protein function. Algorithms developed to predict the effect of sequence changes on RNA splicing suggest that this variant may disrupt the consensus splice site. In summary, the available evidence is currently insufficient to determine the role of this variant in disease. Therefore, it has been classified as a Variant of Uncertain Significance.